The following is an entry in ClinVar:

NM_024426.6(WT1):c.1526A>T (p.Asn509Ile)

Gene: WT1 (WT1 transcription factor; minus strand). Cytogenetic location: 11p13.
Variant type: single nucleotide variant.
Coding change: c.1526A>T on transcript NM_024426.6 (MANE Select); coding-DNA position 1526, A replaced by T.
Protein change: p.Asn509Ile; replaces asparagine 509 with isoleucine.
Molecular consequence: missense variant. On other transcripts: non-coding transcript variant (1).
Genome position (GRCh38, 1-based): chr11:32,389,101, T>A on the plus strand (A>T on the coding strand, the complement: WT1 is on the minus strand). VCF-style: chr11-32389101-T-A. GRCh37 (hg19) VCF-style: chr11-32410647-T-A.
Other names: c.1466A>T, p.Asn489Ile (NM_000378.6); c.866A>T, p.Asn289Ile (NM_001198551.2); c.824A>T, p.Asn275Ile (NM_001198552.2); c.338A>T, p.Asn113Ile (NM_001367854.1); c.1511A>T, p.Asn504Ile (NM_001407044.1); c.1475A>T, p.Asn492Ile (NM_001407045.1); c.1433A>T, p.Asn478Ile (NM_001407046.1); c.1394A>T, p.Asn465Ile (NM_001407047.1); and 6 more; short protein forms N275I, N289I, N506I, N489I, N509I, N113I, N451I, N461I.
Identifiers: ClinVar variation 1500020 (VCV001500020.9), dbSNP rs2132898041, ClinGen allele CA379957549.
Genomic context (GRCh38, chr11:32,389,101, plus strand): 5'-TCCCCGAGGGAGACCCCTCAAAGCGCCAGCTGGAGTTTGGTCATGTTTCTCTGATGCATG[T>A]TGTGATGGCGGACTAATTCATCTGACCGGGCAAACTTTTTCTGACAACTTGGCCACCGAC-3'
Protein context (NP_077744.4, residues 499-519): ARSDELVRHH[Asn509Ile]MHQRNMTKLQ

ClinVar aggregate classification (germline): Uncertain significance (1 of 4 stars; one submission).

Conditions:
Frasier syndrome. Identifiers: Orphanet 347, MedGen C0950122, MeSH D052159, MONDO:0007635, OMIM 136680.
Drash syndrome (DDS). Also called: WILMS TUMOR AND PSEUDO- OR TRUE HERMAPHRODITISM; NEPHROPATHY, WILMS TUMOR, AND GENITAL ANOMALIES. Identifiers: Orphanet 220, MedGen C0950121, MONDO:0008682, OMIM 194080.
Wilms tumor 1 (WT1). Also called: Wilms tumor, somatic. Identifiers: Orphanet 654, MedGen CN033288, MONDO:0008679, OMIM 194070.
11p partial monosomy syndrome (WAGR). Also called: WAGR Complex; WAGR Spectrum Disorder; WAGR syndrome; CHROMOSOME 11p13 DELETION SYNDROME. Identifiers: Orphanet 893, MedGen C0206115, MONDO:0008681, OMIM 194072.

Submission:

Labcorp Genetics (formerly Invitae), Labcorp
Classification: Uncertain significance for Wilms tumor 1; Drash syndrome; 11p partial monosomy syndrome; Frasier syndrome. Last evaluated: 2021-01-03. Review status: criteria provided, single submitter. Criteria: Invitae Variant Classification Sherloc (09022015). Collection method: clinical testing. Allele origin: germline.
Comment: This sequence change replaces asparagine with isoleucine at codon 504 of the WT1 protein (p.Asn504Ile). The asparagine residue is highly conserved and there is a large physicochemical difference between asparagine and isoleucine. In summary, the available evidence is currently insufficient to determine the role of this variant in disease. Therefore, it has been classified as a Variant of Uncertain Significance. Algorithms developed to predict the effect of missense changes on protein structure and function (SIFT, PolyPhen-2, Align-GVGD) all suggest that this variant is likely to be disruptive, but these predictions have not been confirmed by published functional studies and their clinical significance is uncertain. This variant has not been reported in the literature in individuals with WT1-related conditions. This variant is not present in population databases (ExAC no frequency).